The following is an entry in ClinVar:

ClinVar aggregate classification (germline): Benign/Likely benign. Review status: criteria provided, multiple submitters, no conflicts (2 of 4 stars). 5 submissions from 5 submitters: Benign (2); Likely benign (2). 1 of the submissions does not count toward it. Last evaluated 2026-06-01.

Conditions:
MACF1-related disorder. Also called: MACF1-related condition.

Allele frequency attached by ClinVar (database versions not stated): gnomAD exomes 0.00024; ExAC 0.00082; 1000 Genomes Project 0.00240; gnomAD 0.00252 and 0.00276; TOPMed 0.00282; 1000 Genomes Project 30x 0.00297; ESP Exome Variant Server 0.00300.
gnomAD v4.1: 737 of 1,613,464 alleles (0.046%); highest among the groups gnomAD compares: African/African-American, 0.9%; 3 homozygotes.

Submissions (5):

CeGaT Center for Human Genetics Tuebingen
Classification: Likely benign. Last evaluated: 2026-06-01. Review status: criteria provided, single submitter. Criteria: CeGaT Center For Human Genetics Tuebingen Variant Classification Criteria Version 2. Collection method: clinical testing. Allele origin: germline. Affected: yes. Observed: 2 variant alleles.
Comment: MACF1: BP4, BP7

Labcorp Genetics (formerly Invitae), Labcorp
Classification: Benign. Last evaluated: 2025-07-06. Review status: criteria provided, single submitter. Criteria: Invitae Variant Classification Sherloc (09022015). Collection method: clinical testing. Allele origin: germline.

Blueprint Genetics
Classification: Likely benign. Last evaluated: 2024-10-02. Review status: criteria provided, single submitter. Criteria: ACMG Guidelines, 2015. Collection method: clinical testing. Allele origin: germline.

Breakthrough Genomics
Classification: Benign. Review status: criteria provided, single submitter. Criteria: ACMG Guidelines, 2015. Collection method: not provided. Allele origin: germline. Inheritance: Autosomal dominant inheritance. Affected: yes.

PreventionGenetics, part of Exact Sciences
Classification: Benign for MACF1-related condition. Last evaluated: 2023-11-30. Review status: no assertion criteria provided. Collection method: clinical testing. Allele origin: germline. Not counted in ClinVar's aggregate classification.
Comment: This variant is classified as benign based on ACMG/AMP sequence variant interpretation guidelines (Richards et al. 2015 PMID: 25741868, with internal and published modifications).

NM_001394062.1(MACF1):c.21654C>T (p.Thr7218=)

Gene: MACF1 (microtubule actin crosslinking factor 1; plus strand). Cytogenetic location: 1p34.3.
Variant type: single nucleotide variant.
Coding change: c.21654C>T on transcript NM_001394062.1 (MANE Select); coding-DNA position 21654, C replaced by T.
Protein change: p.Thr7218=; no amino-acid change (threonine 7218 retained).
Molecular consequence: synonymous variant.
Genome position (GRCh38, 1-based): chr1:39,462,013, C>T. VCF-style: chr1-39462013-C-T. GRCh37 (hg19) VCF-style: chr1-39927685-C-T.
Other names: c.15477C>T, p.Thr5159= (NM_012090.5).
Identifiers: ClinVar variation 731579 (VCV000731579.34), dbSNP rs116271948, ClinGen allele CA784703.